The following is an entry in ClinVar:

NM_170741.4(KCNJ16):c.1229A>T (p.Asn410Ile)

Gene: KCNJ16 (potassium inwardly rectifying channel subfamily J member 16; plus strand). Cytogenetic location: 17q24.3.
Variant type: single nucleotide variant.
Coding change: c.1229A>T on transcript NM_170741.4 (MANE Select); coding-DNA position 1229, A replaced by T.
Protein change: p.Asn410Ile; replaces asparagine 410 with isoleucine.
Molecular consequence: missense variant.
Genome position (GRCh38, 1-based): chr17:70,133,316, A>T. VCF-style: chr17-70133316-A-T. GRCh37 (hg19) VCF-style: chr17-68129457-A-T.
Other names: c.1229A>T, p.Asn410Ile (NM_001270422.2, NM_001291622.3, NM_001291623.2 and 4 more transcripts); short protein forms N410I.
Identifiers: ClinVar variation 3602953 (VCV003602953.1).

ClinVar aggregate classification (germline): Uncertain significance (1 of 4 stars; one submission).

gnomAD v4.1: 411 of 1,613,718 alleles (0.025%); highest among the groups gnomAD compares: South Asian, 0.43%; 5 homozygotes.

Submission:

GeneDx
Classification: Uncertain significance. Last evaluated: 2024-08-05. Review status: criteria provided, single submitter. Criteria: GeneDx Variant Classification Process June 2021. Collection method: clinical testing. Allele origin: germline. Affected: yes.
Comment: In silico analysis indicates that this missense variant does not alter protein structure/function; Has not been previously published as pathogenic or benign to our knowledge